The following is an entry in ClinVar:

ClinVar aggregate classification (germline): Uncertain significance (1 of 4 stars; one submission).

Allele frequency attached by ClinVar (database versions not stated): ExAC 0.00002; gnomAD 0.00002; TOPMed 0.00003; gnomAD exomes 0.00007; ESP Exome Variant Server 0.00008.
gnomAD v4.1: 103 of 1,613,730 alleles (0.0064%); highest among the groups gnomAD compares: Non-Finnish European, 0.0082%; no homozygotes.

Submission:

Women's Health and Genetics/Laboratory Corporation of America, LabCorp
Classification: Uncertain significance. Last evaluated: 2023-08-08. Review status: criteria provided, single submitter. Criteria: LabCorp Variant Classification Summary - May 2015. Collection method: clinical testing. Allele origin: germline.
Comment: Variant summary: SLC5A5 c.471C>A (p.Asn157Lys) results in a non-conservative amino acid change in the encoded protein sequence. Five of five in-silico tools predict a damaging effect of the variant on protein function. The variant allele was found at a frequency of 1.6e-05 in 251456 control chromosomes. The available data on variant occurrences in the general population are insufficient to allow any conclusion about variant significance. To our knowledge, no occurrence of c.471C>A in individuals affected with Familial Thyroid Dyshormonogenesis 1 and no experimental evidence demonstrating its impact on protein function have been reported. No submitters have cited clinical-significance assessments for this variant to ClinVar after 2014. Based on the evidence outlined above, the variant was classified as uncertain significance.

NM_000453.3(SLC5A5):c.471C>A (p.Asn157Lys)

Gene: SLC5A5 (solute carrier family 5 member 5; plus strand). Cytogenetic location: 19p13.11.
Variant type: single nucleotide variant.
Coding change: c.471C>A on transcript NM_000453.3 (MANE Select); coding-DNA position 471, C replaced by A.
Protein change: p.Asn157Lys; replaces asparagine 157 with lysine.
Molecular consequence: missense variant.
Genome position (GRCh38, 1-based): chr19:17,874,541, C>A. VCF-style: chr19-17874541-C-A. GRCh37 (hg19) VCF-style: chr19-17985350-C-A.
Other names: short protein forms N157K.
Identifiers: ClinVar variation 2581560 (VCV002581560.1), dbSNP rs376216135, ClinGen allele CA9302752.